The following is an entry in ClinVar:

ClinVar aggregate classification (germline): Pathogenic/Likely pathogenic. Review status: criteria provided, multiple submitters, no conflicts (2 of 4 stars). 2 submissions from 2 submitters: Pathogenic (1); Likely pathogenic (1). Last evaluated 2025-05-22.

Conditions:
MPI-congenital disorder of glycosylation. Also called: CONGENITAL DISORDER OF GLYCOSYLATION, TYPE Ib; CDG Ib; MANNOSEPHOSPHATE ISOMERASE DEFICIENCY; PROTEIN-LOSING ENTEROPATHY-HEPATIC FIBROSIS SYNDROME; MPI-CDG; MPI DEFICIENCY. Identifiers: Orphanet 79319, MedGen C1865145, MONDO:0011257, OMIM 602579.

Submissions (2):

Myriad Genetics, Inc.
Classification: Pathogenic for MPI-congenital disorder of glycosylation. Last evaluated: 2025-05-22. Review status: criteria provided, single submitter. Criteria: Myriad Autosomal Dominant, Autosomal Recessive and X-Linked Classification Criteria (2023). Collection method: clinical testing. Allele origin: unknown.
Comment: NM_002435.1(MPI):c.287delT(F96Sfs*63) is expected to be pathogenic in the context of congenital disorder of glycosylation, MPI-related. This variant is predicted to lead to an abnormal or absent protein product due to the creation of a premature termination codon in MPI, a gene where loss-of-function variants are known to be pathogenic. Please note: this variant was assessed in the context of healthy population screening.

Baylor Genetics
Classification: Likely pathogenic for MPI-congenital disorder of glycosylation. Last evaluated: 2023-12-01. Review status: criteria provided, single submitter. Criteria: ACMG Guidelines, 2015. Collection method: clinical testing. Allele origin: unknown.

NM_002435.3(MPI):c.287del (p.Phe96fs)

Gene: MPI (mannose phosphate isomerase; plus strand). Cytogenetic location: 15q24.1.
Variant type: Deletion.
Coding change: c.287del on transcript NM_002435.3 (MANE Select); coding-DNA position 287, one base deleted (T; older notation c.287delT).
Protein change: p.Phe96fs; shifts the reading frame from phenylalanine 96.
Molecular consequence: frameshift variant.
Genome position (GRCh38, 1-based): chr15:74,891,521, T deleted; the last of 2 consecutive T bases (chr15:74,891,520-74,891,521); deleting either gives the same sequence. VCF-style (leftmost placement, unchanged base first): chr15-74891519-CT-C. GRCh37 (hg19) VCF-style: chr15-75183860-CT-C.
Other names: c.287del, p.Phe96fs (NM_001289155.2, NM_001289157.2); c.137del, p.Phe46fs (NM_001289156.2); c.227del, p.Phe76fs (NM_001330372.2); short protein forms F46fs, F76fs, F96fs.
Identifiers: ClinVar variation 3239742 (VCV003239742.2), dbSNP rs2505813839.
Genomic context (GRCh38, chr15:74,891,519, plus strand): 5'-TGCTGAGAACCAGGACAGCTTGGGCTCAAAGGTCAAGGACACCTTTAATGGCAACCTGCC[CT>C]TCCTCTTCAAAGTGCTCTCAGTTGAAACACCCCTGTCCATCCAGGCACACCCTAACAAGG-3'